The following is an entry in ClinVar:

NM_001348323.3(TRIP12):c.88A>G (p.Ile30Val)

Gene: TRIP12 (thyroid hormone receptor interactor 12; minus strand). Cytogenetic location: 2q36.3.
Variant type: single nucleotide variant.
Coding change: c.88A>G on transcript NM_001348323.3 (MANE Select); coding-DNA position 88, A replaced by G.
Protein change: p.Ile30Val; replaces isoleucine 30 with valine.
Molecular consequence: missense variant.
Genome position (GRCh38, 1-based): chr2:229,879,992, T>C on the plus strand (A>G on the coding strand, the complement: TRIP12 is on the minus strand). VCF-style: chr2-229879992-T-C. GRCh37 (hg19) VCF-style: chr2-230744708-T-C.
Other names: c.88A>G, p.Ile30Val (NM_001284214.2, NM_001284215.2, NM_001284216.2 and 22 more transcripts); short protein forms I30V.
Identifiers: ClinVar variation 2290294 (VCV002290294.26), dbSNP rs764515629, ClinGen allele CA2153595.

ClinVar aggregate classification (germline): Likely benign. Review status: criteria provided, multiple submitters, no conflicts (2 of 4 stars). 2 submissions from 2 submitters: Likely benign (2). Last evaluated 2023-09-01.

Conditions:
Inborn genetic diseases. Identifiers: MedGen C0950123, MeSH D030342.

Allele frequency attached by ClinVar (database versions not stated): ExAC 0.00002; gnomAD exomes 0.00002.
gnomAD v4.1: 22 of 1,614,134 alleles (0.0014%); highest among the groups gnomAD compares: South Asian, 0.014%; 1 homozygote.

Submissions (2):

CeGaT Center for Human Genetics Tuebingen
Classification: Likely benign. Last evaluated: 2023-09-01. Review status: criteria provided, single submitter. Criteria: CeGaT Center For Human Genetics Tuebingen Variant Classification Criteria Version 2. Collection method: clinical testing. Allele origin: germline. Affected: yes. Observed: 1 variant allele.
Comment: TRIP12: BP4

Ambry Genetics
Classification: Likely benign for Inborn genetic diseases. Last evaluated: 2022-05-18. Review status: criteria provided, single submitter. Criteria: Ambry Variant Classification Scheme 2023. Collection method: clinical testing. Allele origin: germline.